The following is an entry in ClinVar:

NM_000455.5(STK11):c.824del (p.Pro275fs)

Gene: STK11 (serine/threonine kinase 11; plus strand). Cytogenetic location: 19p13.3.
Variant type: Deletion.
Coding change: c.824del on transcript NM_000455.5 (MANE Select); coding-DNA position 824, one base deleted (C; older notation c.824delC).
Protein change: p.Pro275fs; shifts the reading frame from proline 275.
Molecular consequence: frameshift variant.
Genome position (GRCh38, 1-based): chr19:1,221,302, C deleted; the last of 3 consecutive C bases (chr19:1,221,300-1,221,302); deleting any one gives the same sequence. VCF-style (leftmost placement, unchanged base first): chr19-1221299-TC-T. GRCh37 (hg19) VCF-style: chr19-1221298-TC-T.
Other names: c.824delC, p.Pro275Argfs (NM_001407255.1); short protein forms P275fs.
Identifiers: ClinVar variation 1762622 (VCV001762622.2), dbSNP rs2512945289, ClinGen allele CA2580096111.
Genomic context (GRCh38, chr19:1,221,299, plus strand): 5'-CCTTCGAAGGGGACAACATCTACAAGTTGTTTGAGAACATCGGGAAGGGGAGCTACGCCA[TC>T]CCGGGCGACTGTGGCCCCCCGCTCTCTGACCTGCTGAAAGGTGGGAGCCTCATCCCTCTG-3'

ClinVar aggregate classification (germline): Pathogenic (1 of 4 stars; one submission).

Conditions:
Hereditary cancer-predisposing syndrome. Also called: Neoplastic Syndromes, Hereditary; Tumor predisposition; Hereditary Cancer Syndrome; Hereditary neoplastic syndrome. Identifiers: Orphanet 140162, MedGen C0027672, MeSH D009386, MONDO:0015356.

Submission:

Ambry Genetics
Classification: Pathogenic for Hereditary cancer-predisposing syndrome. Last evaluated: 2021-09-30. Review status: criteria provided, single submitter. Criteria: Ambry Variant Classification Scheme 2023. Collection method: clinical testing. Allele origin: germline.
Comment: The c.824delC pathogenic mutation, located in coding exon 6 of the STK11 gene, results from a deletion of one nucleotide at nucleotide position 824, causing a translational frameshift with a predicted alternate stop codon (p.P275Rfs*12). This variant is considered to be rare based on population cohorts in the Genome Aggregation Database (gnomAD). This alteration is expected to result in loss of function by premature protein truncation or nonsense-mediated mRNA decay. As such, this alteration is interpreted as a disease-causing mutation.